The following is an entry in ClinVar:

ClinVar aggregate classification (germline): Uncertain significance (1 of 4 stars; one submission).

Submission:

Ambry Genetics
Classification: Uncertain significance. Last evaluated: 2023-12-11. Review status: criteria provided, single submitter. Criteria: Ambry Variant Classification Scheme 2023. Collection method: clinical testing. Allele origin: germline.
Comment: The p.D1451V variant (also known as c.4352A>T), located in coding exon 35 of the A2ML1 gene, results from an A to T substitution at nucleotide position 4352. The aspartic acid at codon 1451 is replaced by valine, an amino acid with highly dissimilar properties. This amino acid position is conserved. In addition, this alteration is predicted to be tolerated by in silico analysis. Since supporting evidence is limited at this time, the clinical significance of this alteration remains unclear.

NM_144670.6(A2ML1):c.4352A>T (p.Asp1451Val)

Gene: A2ML1 (alpha-2-macroglobulin like 1; plus strand). Cytogenetic location: 12p13.31.
Variant type: single nucleotide variant.
Coding change: c.4352A>T on transcript NM_144670.6 (MANE Select); coding-DNA position 4352, A replaced by T.
Protein change: p.Asp1451Val; replaces aspartic acid 1451 with valine.
Molecular consequence: missense variant.
Genome position (GRCh38, 1-based): chr12:8,874,998, A>T. VCF-style: chr12-8874998-A-T. GRCh37 (hg19) VCF-style: chr12-9027594-A-T.
Other names: c.2879A>T, p.Asp960Val (NM_001282424.3); short protein forms D1451V, D960V.
Identifiers: ClinVar variation 3229215 (VCV003229215.1), dbSNP rs2539331246, ClinGen allele CA383814926.